The following is an entry in ClinVar:

ClinVar aggregate classification (germline): Uncertain significance (1 of 4 stars; one submission).

Allele frequency attached by ClinVar (database versions not stated): gnomAD 0.00001; TOPMed 0.00001.
gnomAD v4.1: 14 of 1,483,320 alleles (0.00094%); highest among the groups gnomAD compares: South Asian, 0.0025%; no homozygotes.

Submission:

Labcorp Genetics (formerly Invitae), Labcorp
Classification: Uncertain significance. Last evaluated: 2022-08-23. Review status: criteria provided, single submitter. Criteria: Invitae Variant Classification Sherloc (09022015). Collection method: clinical testing. Allele origin: germline.
Comment: The frequency data for this variant in the population databases is considered unreliable, as metrics indicate poor data quality at this position in the gnomAD database. This sequence change replaces proline, which is neutral and non-polar, with serine, which is neutral and polar, at codon 11 of the MTFMT protein (p.Pro11Ser). This variant has not been reported in the literature in individuals affected with MTFMT-related conditions. ClinVar contains an entry for this variant (Variation ID: 1380288). Algorithms developed to predict the effect of missense changes on protein structure and function (SIFT, PolyPhen-2, Align-GVGD) all suggest that this variant is likely to be tolerated. In summary, the available evidence is currently insufficient to determine the role of this variant in disease. Therefore, it has been classified as a Variant of Uncertain Significance.

NM_139242.4(MTFMT):c.31C>T (p.Pro11Ser)

Gene: MTFMT (mitochondrial methionyl-tRNA formyltransferase; minus strand). Cytogenetic location: 15q22.31.
Variant type: single nucleotide variant.
Coding change: c.31C>T on transcript NM_139242.4 (MANE Select); coding-DNA position 31, C replaced by T.
Protein change: p.Pro11Ser; replaces proline 11 with serine.
Molecular consequence: missense variant.
Genome position (GRCh38, 1-based): chr15:65,029,583, G>A on the plus strand (C>T on the coding strand, the complement: MTFMT is on the minus strand). VCF-style: chr15-65029583-G-A. GRCh37 (hg19) VCF-style: chr15-65321921-G-A.
Other names: short protein forms P11S.
Identifiers: ClinVar variation 1380288 (VCV001380288.8), dbSNP rs1323209987, ClinGen allele CA392863638.